The following is an entry in ClinVar:

NM_014714.4(IFT140):c.4213C>T (p.Arg1405Trp)

Gene: IFT140 (intraflagellar transport 140; minus strand). Cytogenetic location: 16p13.3.
Variant type: single nucleotide variant.
Coding change: c.4213C>T on transcript NM_014714.4 (MANE Select); coding-DNA position 4213, C replaced by T.
Protein change: p.Arg1405Trp; replaces arginine 1405 with tryptophan.
Molecular consequence: missense variant.
Genome position (GRCh38, 1-based): chr16:1,511,120, G>A on the plus strand (C>T on the coding strand, the complement: IFT140 is on the minus strand). VCF-style: chr16-1511120-G-A. GRCh37 (hg19) VCF-style: chr16-1561121-G-A.
Other names: c.4213C>T (NM_014714.3); short protein forms R1405W.
Identifiers: ClinVar variation 3025386 (VCV003025386.23), dbSNP rs749827811, ClinGen allele CA7812826.

ClinVar aggregate classification (germline): Uncertain significance. Review status: criteria provided, multiple submitters, no conflicts (2 of 4 stars). 2 submissions from 2 submitters: Uncertain significance (2). Last evaluated 2025-10-02.

Conditions:
IFT140-related disorder. Also called: IFT140-related condition.

Allele frequency attached by ClinVar (database versions not stated): TOPMed below 0.00001; ExAC 0.00004.
gnomAD v4.1: 15 of 1,608,708 alleles (0.00093%); highest among the groups gnomAD compares: South Asian, 0.01%; 1 homozygote.

Submissions (2):

PreventionGenetics, part of Exact Sciences
Classification: Uncertain significance for IFT140-related condition. Last evaluated: 2025-10-02. Review status: criteria provided, single submitter. Criteria: ACMG Guidelines, 2015. Collection method: clinical testing. Allele origin: germline.
Comment: The IFT140 c.4213C>T variant is predicted to result in the amino acid substitution p.Arg1405Trp. To our knowledge, this variant has not been reported in the literature. This variant is reported in 0.0034% of alleles in individuals of South Asian descent in gnomAD. At this time, the clinical significance of this variant is uncertain due to the absence of conclusive functional and genetic evidence.

CeGaT Center for Human Genetics Tuebingen
Classification: Uncertain significance. Last evaluated: 2024-02-01. Review status: criteria provided, single submitter. Criteria: CeGaT Center For Human Genetics Tuebingen Variant Classification Criteria Version 2. Collection method: clinical testing. Allele origin: germline. Affected: yes. Observed: 1 variant allele.
Comment: IFT140: PM2, BP4